The following is an entry in ClinVar:

ClinVar aggregate classification (germline): Uncertain significance (1 of 4 stars; one submission).

Submission:

GeneDx
Classification: Uncertain significance. Last evaluated: 2017-07-24. Review status: criteria provided, single submitter. Criteria: GeneDx Variant Classification (06012015). Collection method: clinical testing. Allele origin: germline. Affected: yes.
Comment: The N83I variant has not beenpublished as pathogenic or been reported as benign to our knowledge. Furthermore, it is not observed in largepopulation cohorts (Lek et al., 2016; 1000 Genomes Consortium et al., 2015; Exome Variant Server). The N83Ivariant is a non-conservative amino acid substitution, which is likely to impact secondary protein structure as theseresidues differ in polarity, charge, size and/or other properties. Moreover, this substitution occurs at a position that isconserved across species, and in silico analysis predicts this variant is probably damaging to the proteinstructure/function. Nonetheless, this variant lacks observation in a significant number of affected individuals,segregation data, and functional evidence, which would further clarify its pathogenicity.

NM_014000.3(VCL):c.248A>T (p.Asn83Ile)

Gene: VCL (vinculin; plus strand). Cytogenetic location: 10q22.2.
Variant type: single nucleotide variant.
Coding change: c.248A>T on transcript NM_014000.3 (MANE Select); coding-DNA position 248, A replaced by T.
Protein change: p.Asn83Ile; replaces asparagine 83 with isoleucine.
Molecular consequence: missense variant.
Genome position (GRCh38, 1-based): chr10:74,070,678, A>T. VCF-style: chr10-74070678-A-T. GRCh37 (hg19) VCF-style: chr10-75830436-A-T.
Other names: c.248A>T, p.Asn83Ile (NM_003373.4); short protein forms N83I.
Identifiers: ClinVar variation 450753 (VCV000450753.2), dbSNP rs1554816646, ClinGen allele CA377265669.
Genomic context (GRCh38, chr10:74,070,678, plus strand): 5'-GTATTCTTCTGTGTGGTTCTGCCGGTGTGTTAACCTGTGTTCTTCCCTATAGGGTTGAGA[A>T]TGCTTGCACCAAGCTTGTCCAGGCAGCTCAGATGCTTCAGTCAGACCCTTACTCAGTGCC-3'
Protein context (NP_054706.1, residues 73-93): DMPPAFIKVE[Asn83Ile]ACTKLVQAAQ